The following is an entry in ClinVar:

NM_001276345.2(TNNT2):c.823C>T (p.Arg275Ter)

Gene: TNNT2 (troponin T2, cardiac type; minus strand). Cytogenetic location: 1q32.1.
Variant type: single nucleotide variant.
Coding change: c.823C>T on transcript NM_001276345.2 (MANE Select); coding-DNA position 823, C replaced by T.
Protein change: p.Arg275Ter; replaces arginine 275 with a stop codon.
Molecular consequence: nonsense.
Genome position (GRCh38, 1-based): chr1:201,359,651, G>A on the plus strand (C>T on the coding strand, the complement: TNNT2 is on the minus strand). VCF-style: chr1-201359651-G-A. GRCh37 (hg19) VCF-style: chr1-201328779-G-A.
Other names: c.814C>T, p.Arg272Ter (NM_000364.4); c.793C>T, p.Arg265Ter (NM_001001430.3, NM_001276347.2); c.784C>T, p.Arg262Ter (NM_001001431.3); c.775C>T, p.Arg259Ter (NM_001001432.3); c.694C>T, p.Arg232Ter (NM_001276346.2); short protein forms R262*, R275*, R232*, R259*, R265*, R272*.
Identifiers: ClinVar variation 667022 (VCV000667022.20), dbSNP rs748970759, ClinGen allele CA344202429.

ClinVar aggregate classification (germline): Conflicting classifications of pathogenicity. Review status: criteria provided, conflicting classifications (1 of 4 stars). 5 submissions from 5 submitters: Likely pathogenic (1); Uncertain significance (4). Last evaluated 2025-12-18.

Conditions:
Cardiomyopathy, familial restrictive, 3. Identifiers: Orphanet 75249, MedGen C2676271, MONDO:0012900, OMIM 612422.
Hypertrophic cardiomyopathy 2. Also called: TNNT2-Related Familial Hypertrophic Cardiomyopathy. Identifiers: MedGen C1861864, MONDO:0007266, OMIM 115195.
Dilated cardiomyopathy 1D. Identifiers: Orphanet 154, Orphanet 54260, MedGen C1832243, MONDO:0011095, OMIM 601494.
Cardiovascular phenotype. Identifiers: MedGen CN230736.
Cardiomyopathy (CMYO). Also called: Cardiomyopathies. Identifiers: Orphanet 167848, MedGen C0878544, MONDO:0004994, HP:0001638. Inheritance: Various modes of inheritance.
Hypertrophic cardiomyopathy. Also called: HYPERTROPHIC MYOCARDIOPATHY. Identifiers: Orphanet 217569, MedGen C0007194, MeSH D002312, MONDO:0005045, HP:0001639.

Allele frequency attached by ClinVar (database versions not stated): gnomAD exomes below 0.00001; gnomAD 0.00001; TOPMed 0.00002.

Submissions (5):

Ambry Genetics
Classification: Uncertain significance for Cardiovascular phenotype. Last evaluated: 2025-12-18. Review status: criteria provided, single submitter. Criteria: Ambry Variant Classification Scheme 2023. Collection method: clinical testing. Allele origin: germline.
Comment: The p.R265* variant (also known as c.793C>T), located in coding exon 14 of the TNNT2 gene, results from a C to T substitution at nucleotide position 793. This changes the amino acid from an arginine to a stop codon within coding exon 14. This alteration occurs at the 3' terminus of theTNNT2 gene, is not expected to trigger nonsense-mediated mRNAdecay, and impacts the last 24 amino acids of the protein. The exact functional effect of this alteration is unknown. In addition, loss of function of TNNT2 has not been clearly established as a mechanism of disease. This variant was reported in individual(s) with features consistent with cardiomyopathy (Ambry internal data). Based on the available evidence, the clinical significance of this variant remains unclear.

Labcorp Genetics (formerly Invitae), Labcorp
Classification: Uncertain significance for Cardiomyopathy, familial restrictive, 3; Hypertrophic cardiomyopathy 2; Dilated cardiomyopathy 1D. Last evaluated: 2024-08-27. Review status: criteria provided, single submitter. Criteria: Invitae Variant Classification Sherloc (09022015). Collection method: clinical testing. Allele origin: germline.
Comment: This sequence change creates a premature translational stop signal (p.Arg265*) in the TNNT2 gene. While this is not anticipated to result in nonsense mediated decay, it is expected to disrupt the last 24 amino acid(s) of the TNNT2 protein. This variant is not present in population databases (gnomAD no frequency). This variant has not been reported in the literature in individuals affected with TNNT2-related conditions. ClinVar contains an entry for this variant (Variation ID: 667022). Experimental studies and prediction algorithms are not available or were not evaluated, and the functional significance of this variant is currently unknown. In summary, the available evidence is currently insufficient to determine the role of this variant in disease. Therefore, it has been classified as a Variant of Uncertain Significance.

All of Us Research Program, National Institutes of Health
Classification: Uncertain significance for Cardiomyopathy. Last evaluated: 2023-07-10. Review status: criteria provided, single submitter. Criteria: ACMG Guidelines, 2015. Collection method: clinical testing. Allele origin: germline. Inheritance: Autosomal dominant inheritance. Observed: 1 variant allele, 1 heterozygote.
Comment: This variant changes 1 nucleotide in exon 15 of the TNNT2 gene, creating a premature translation stop signal. This mutant transcript is predicted to escape nonsense-mediated decay and be expressed as a truncated protein. To our knowledge, this variant has not been reported in individuals affected with TNNT2-related disorders in the literature. This variant has not been identified in the general population by the Genome Aggregation Database (gnomAD). Clinical relevance of loss-of-function truncation and splice variants in the TNNT2 gene is not clearly established. The available evidence is insufficient to determine the role of this variant in disease conclusively. Therefore, this variant is classified as a Variant of Uncertain Significance.

This study involves interpretation of variants in research participants for the purpose of population health screening. Participant phenotype was not available at the time of variant classification. Additional details can be found in publication PMID: 35346344, PMCID: PMC8962531

Laboratory for Molecular Medicine, Mass General Brigham Personalized Medicine
Classification: Likely pathogenic for Hypertrophic cardiomyopathy. Last evaluated: 2018-09-28. Review status: criteria provided, single submitter. Criteria: LMM Criteria. Collection method: clinical testing. Allele origin: germline. Observed: 1 variant allele.
Comment: The p.Arg265X variant in TNNT2 has not been previously reported in individuals w ith cardiomyopathy and was absent from large population studies. This nonsense v ariant leads to a premature termination codon at position 265. This alteration o ccurs within the terminal 50 bases of the second to last exon and is, therefore, likely to escape nonsense mediated decay (NMD) and result in a truncated protei n. Although truncating variants in TNNT2 are very rare, a well supported pathoge nic truncating variant downstream of the p.Arg265X variant is known to cause HCM (p.Trp287X, ClinVar ID:177636). In summary,although additional studies are requ ired to fully establish its clinical significance, the p.Arg265X variant is lik ely pathogenic. ACMG/AMP Criteria applied: PVS1_Moderate, PM2, PM4.

Human Genome Sequencing Center Clinical Lab, Baylor College of Medicine
Classification: Uncertain significance for Familial hypertrophic cardiomyopathy 2; Dilated cardiomyopathy 1D. Review status: criteria provided, single submitter. Criteria: ACMG Guidelines, 2015. Collection method: clinical testing. Allele origin: germline.